The following is an entry in ClinVar:

ClinVar aggregate classification (germline): Uncertain significance. Review status: criteria provided, multiple submitters, no conflicts (2 of 4 stars). 2 submissions from 2 submitters: Uncertain significance (2). Last evaluated 2025-12-26.

Conditions:
Inborn genetic diseases. Identifiers: MedGen C0950123, MeSH D030342.

Allele frequency attached by ClinVar (database versions not stated): gnomAD 0.00001; TOPMed 0.00005.
gnomAD v4.1: 53 of 1,083,542 alleles (0.0049%); highest among the groups gnomAD compares: Non-Finnish European, 0.0056%; no homozygotes.

Submissions (2):

Labcorp Genetics (formerly Invitae), Labcorp
Classification: Uncertain significance. Last evaluated: 2025-12-26. Review status: criteria provided, single submitter. Criteria: Invitae Variant Classification Sherloc (09022015). Collection method: clinical testing. Allele origin: germline.
Comment: This sequence change replaces glycine, which is neutral and non-polar, with cysteine, which is neutral and slightly polar, at codon 50 of the KMT2B protein (p.Gly50Cys). The frequency data for this variant in the population databases is considered unreliable, as metrics indicate insufficient coverage at this position in the gnomAD database. This variant has not been reported in the literature in individuals affected with KMT2B-related conditions. ClinVar contains an entry for this variant (Variation ID: 1983043). Invitae Evidence Modeling of protein sequence and biophysical properties (such as structural, functional, and spatial information, amino acid conservation, physicochemical variation, residue mobility, and thermodynamic stability) indicates that this missense variant is not expected to disrupt KMT2B protein function with a negative predictive value of 95%. In summary, the available evidence is currently insufficient to determine the role of this variant in disease. Therefore, it has been classified as a Variant of Uncertain Significance.

Ambry Genetics
Classification: Uncertain significance for Inborn genetic diseases. Last evaluated: 2024-11-10. Review status: criteria provided, single submitter. Criteria: Ambry Variant Classification Scheme 2023. Collection method: clinical testing. Allele origin: germline.

NM_014727.3(KMT2B):c.148G>T (p.Gly50Cys)

Genes: KMT2B (lysine methyltransferase 2B; plus strand), LOC130064258 (ATAC-STARR-seq lymphoblastoid silent region 10535; plus strand). Cytogenetic location: 19q13.12.
Variant type: single nucleotide variant.
Coding change: c.148G>T on transcript NM_014727.3 (MANE Select); coding-DNA position 148, G replaced by T.
Protein change: p.Gly50Cys; replaces glycine 50 with cysteine.
Molecular consequence: missense variant.
Genome position (GRCh38, 1-based): chr19:35,718,166, G>T. VCF-style: chr19-35718166-G-T. GRCh37 (hg19) VCF-style: chr19-36209068-G-T.
Other names: c.148G>T (NM_014727.1); short protein forms G50C.
Identifiers: ClinVar variation 1983043 (VCV001983043.3), dbSNP rs1235169708, ClinGen allele CA405374787.